The following is an entry in ClinVar:

NM_001039591.3(USP9X):c.2219T>G (p.Phe740Cys)

Gene: USP9X (ubiquitin specific peptidase 9 X-linked; plus strand). Cytogenetic location: Xp11.4.
Variant type: single nucleotide variant.
Coding change: c.2219T>G on transcript NM_001039591.3 (MANE Select); coding-DNA position 2219, T replaced by G.
Protein change: p.Phe740Cys; replaces phenylalanine 740 with cysteine.
Molecular consequence: missense variant.
Genome position (GRCh38, 1-based): chrX:41,166,105, T>G. VCF-style: chrX-41166105-T-G. GRCh37 (hg19) VCF-style: chrX-41025358-T-G.
Other names: c.2219T>G, p.Phe740Cys (NM_001039590.3); short protein forms F740C.
Identifiers: ClinVar variation 1308280 (VCV001308280.2), dbSNP rs2147113915, ClinGen allele CA412753860.

ClinVar aggregate classification (germline): Uncertain significance (1 of 4 stars; one submission).

Submission:

GeneDx
Classification: Uncertain significance. Last evaluated: 2019-03-25. Review status: criteria provided, single submitter. Criteria: GeneDx Variant Classification Process June 2021. Collection method: clinical testing. Allele origin: germline. Affected: yes.
Comment: Not observed in large population cohorts (Lek et al., 2016); In silico analysis, which includes protein predictors and evolutionary conservation, supports a deleterious effect; Has not been previously published as pathogenic or benign to our knowledge